The following is an entry in ClinVar:

NM_004360.5(CDH1):c.991A>T (p.Thr331Ser)

Gene: CDH1 (cadherin 1; plus strand). Cytogenetic location: 16q22.1.
Variant type: single nucleotide variant.
Coding change: c.991A>T on transcript NM_004360.5 (MANE Select); coding-DNA position 991, A replaced by T.
Protein change: p.Thr331Ser; replaces threonine 331 with serine.
Molecular consequence: missense variant. On other transcripts: 5 prime UTR variant (2).
Genome position (GRCh38, 1-based): chr16:68,811,842, A>T. VCF-style: chr16-68811842-A-T. GRCh37 (hg19) VCF-style: chr16-68845745-A-T.
Other names: c.991A>T, p.Thr331Ser (NM_001317184.2); c.-625A>T (NM_001317185.2); c.-829A>T (NM_001317186.2); short protein forms T331S.
Identifiers: ClinVar variation 1500762 (VCV001500762.8), dbSNP rs1960843471, ClinGen allele CA396459875.
Genomic context (GRCh38, chr16:68,811,842, plus strand): 5'-CTCCCTGACAAAAATATGTTCACCATTAACAGGAACACAGGAGTCATCAGTGTGGTCACC[A>T]CTGGGCTGGACCGAGAGGTCAGGGGTCAGGAGGATCCAGAGGGTGTGGAGGACAAATGTG-3'
Protein context (NP_004351.1, residues 321-341): RNTGVISVVT[Thr331Ser]GLDRESFPTY

ClinVar aggregate classification (germline): Uncertain significance (1 of 4 stars; one submission).

Conditions:
Hereditary diffuse gastric adenocarcinoma (HDGC). Also called: DIFFUSE GASTRIC AND LOBULAR BREAST CANCER SYNDROME. Identifiers: Orphanet 26106, MedGen C1708349, MONDO:0007648, OMIM 137215.

Submission:

Labcorp Genetics (formerly Invitae), Labcorp
Classification: Uncertain significance for Hereditary diffuse gastric adenocarcinoma. Last evaluated: 2023-02-08. Review status: criteria provided, single submitter. Criteria: Invitae Variant Classification Sherloc (09022015). Collection method: clinical testing. Allele origin: germline.
Comment: In summary, the available evidence is currently insufficient to determine the role of this variant in disease. Therefore, it has been classified as a Variant of Uncertain Significance. This sequence change replaces threonine, which is neutral and polar, with serine, which is neutral and polar, at codon 331 of the CDH1 protein (p.Thr331Ser). This variant is not present in population databases (gnomAD no frequency). This variant has not been reported in the literature in individuals affected with CDH1-related conditions. ClinVar contains an entry for this variant (Variation ID: 1500762). Algorithms developed to predict the effect of missense changes on protein structure and function output the following: SIFT: "Tolerated"; PolyPhen-2: "Benign"; Align-GVGD: "Class C0". The serine amino acid residue is found in multiple mammalian species, which suggests that this missense change does not adversely affect protein function.